The following is an entry in ClinVar:

NM_000255.4(MMUT):c.1293G>A (p.Met431Ile)

Gene: MMUT (methylmalonyl-CoA mutase; minus strand). Cytogenetic location: 6p12.3.
Variant type: single nucleotide variant.
Coding change: c.1293G>A on transcript NM_000255.4 (MANE Select); coding-DNA position 1293, G replaced by A.
Protein change: p.Met431Ile; replaces methionine 431 with isoleucine.
Molecular consequence: missense variant.
Genome position (GRCh38, 1-based): chr6:49,451,505, C>T on the plus strand (G>A on the coding strand, the complement: MMUT is on the minus strand). VCF-style: chr6-49451505-C-T. GRCh37 (hg19) VCF-style: chr6-49419218-C-T.
Other names: short protein forms M431I.
Identifiers: ClinVar variation 1471204 (VCV001471204.5), dbSNP rs1767551077, ClinGen allele CA364398709.

ClinVar aggregate classification (germline): Uncertain significance (1 of 4 stars; one submission).

Allele frequency attached by ClinVar (database versions not stated): TOPMed 0.00001.

Submission:

Labcorp Genetics (formerly Invitae), Labcorp
Classification: Uncertain significance. Last evaluated: 2022-08-16. Review status: criteria provided, single submitter. Criteria: Invitae Variant Classification Sherloc (09022015). Collection method: clinical testing. Allele origin: germline.
Comment: This sequence change replaces methionine, which is neutral and non-polar, with isoleucine, which is neutral and non-polar, at codon 431 of the MUT protein (p.Met431Ile). This variant is not present in population databases (gnomAD no frequency). This missense change has been observed in individual(s) with methylmalonic aciduria (PMID: 31622506). ClinVar contains an entry for this variant (Variation ID: 1471204). Algorithms developed to predict the effect of missense changes on protein structure and function are either unavailable or do not agree on the potential impact of this missense change (SIFT: "Deleterious"; PolyPhen-2: "Benign"; Align-GVGD: "Class C0"). Algorithms developed to predict the effect of sequence changes on RNA splicing suggest that this variant may create or strengthen a splice site. In summary, the available evidence is currently insufficient to determine the role of this variant in disease. Therefore, it has been classified as a Variant of Uncertain Significance.

Literature cited by the submitters: PubMed 31622506.